The following is an entry in ClinVar:

NM_007294.4(BRCA1):c.5406del (p.Gly1803fs)

Gene: BRCA1 (BRCA1 DNA repair associated; minus strand). Cytogenetic location: 17q21.31.
Variant type: Deletion.
Coding change: c.5406del on transcript NM_007294.4 (MANE Select); coding-DNA position 5406, one base deleted (A; older notation c.5406delA).
Protein change: p.Gly1803fs; shifts the reading frame from glycine 1803.
Molecular consequence: frameshift variant. On other transcripts: non-coding transcript variant (1), intron variant (1).
Genome position (GRCh38, 1-based): chr17:43,049,121, T deleted on the plus strand (A on the coding strand, the reverse complement: BRCA1 is on the minus strand). VCF-style (leftmost placement, unchanged base first): chr17-43049120-CT-C. GRCh37 (hg19) VCF-style: chr17-41201137-CT-C.
Other names: c.5199delA, p.Gly1734Valfs (NM_001407874.1, NM_001407875.1); c.5193delA, p.Gly1732Valfs (NM_001407909.1, NM_001407910.1, NM_001407571.1 and 12 more transcripts); c.5190delA, p.Gly1731Valfs (NM_001407915.1, NM_001407916.1, NM_001407917.1 and 1 more transcripts); c.5142delA, p.Gly1715Valfs (NM_001407920.1, NM_001407921.1, NM_001407922.1 and 4 more transcripts); c.5139delA, p.Gly1714Valfs (NM_001407927.1, NM_001407928.1, NM_001407929.1 and 4 more transcripts); c.5136delA, p.Gly1713Valfs (NM_001407934.1, NM_001407935.1, NM_001407936.1); c.5073delA, p.Gly1692Valfs (NM_001407946.1, NM_001407947.1, NM_001407948.1 and 1 more transcripts); c.5070delA, p.Gly1691Valfs (NM_001407950.1, NM_001407951.1, NM_001407952.1 and 3 more transcripts); and 75 more; short protein forms G1824fs, G1756fs, G1803fs, G699fs.
Identifiers: ClinVar variation 1747331 (VCV001747331.2), dbSNP rs2477088364, ClinGen allele CA2580093948.

ClinVar aggregate classification (germline): Likely pathogenic (1 of 4 stars; one submission).

Conditions:
Hereditary cancer-predisposing syndrome. Also called: Hereditary Cancer Syndrome; Neoplastic Syndromes, Hereditary; Tumor predisposition; Hereditary neoplastic syndrome. Identifiers: Orphanet 140162, MedGen C0027672, MeSH D009386, MONDO:0015356.

Submission:

Ambry Genetics
Classification: Likely pathogenic for Hereditary cancer-predisposing syndrome. Last evaluated: 2021-03-30. Review status: criteria provided, single submitter. Criteria: Ambry Variant Classification Scheme 2023. Collection method: clinical testing. Allele origin: germline.
Comment: The c.5406delA variant (also known as p.G1803Vfs*31), located in coding exon 20 of the BRCA1 gene, is a deletion of one nucleotide that results in a frameshift and an amino acid substitution of glycine to valine at nucleotide position 5406. However, this change occurs in the last base pair of coding exon 20, which makes it likely to have some effect on normal mRNA splicing. This nucleotide position is not well conserved in available vertebrate species. In silico splice site analysis predicts that this alteration will weaken the native splice donor site and will result in the creation or strengthening of a novel splice donor site; however, direct evidence is insufficient at this time (Ambry internal data). Based on the majority of available evidence to date, this variant is likely to be pathogenic.